The following is an entry in ClinVar:

ClinVar aggregate classification (germline): Uncertain significance. Review status: criteria provided, multiple submitters, no conflicts (2 of 4 stars). 2 submissions from 2 submitters: Uncertain significance (2). Last evaluated 2024-02-22.

Conditions:
CBL-related disorder. Also called: CBL MUTATION-ASSOCIATED SYNDROME; CBL SYNDROME; NOONAN SYNDROME-LIKE DISORDER WITHOUT JUVENILE MYELOMONOCYTIC LEUKEMIA. Identifiers: Orphanet 363972, MedGen C3150803, MONDO:0013308, OMIM 613563.
RASopathy. Also called: rasopathies; Noonan spectrum disorder. Identifiers: Orphanet 536391, MedGen C5555857, MONDO:0021060.

Allele frequency attached by ClinVar (database versions not stated): gnomAD exomes below 0.00001; ExAC 0.00001; gnomAD 0.00001.
gnomAD v4.1: 14 of 1,614,094 alleles (0.00087%); highest among the groups gnomAD compares: Non-Finnish European, 0.0012%; no homozygotes.

Submissions (2):

Labcorp Genetics (formerly Invitae), Labcorp
Classification: Uncertain significance for RASopathy. Last evaluated: 2024-02-22. Review status: criteria provided, single submitter. Criteria: Invitae Variant Classification Sherloc (09022015). Collection method: clinical testing. Allele origin: germline.
Comment: This sequence change replaces proline, which is neutral and non-polar, with threonine, which is neutral and polar, at codon 608 of the CBL protein (p.Pro608Thr). This variant is present in population databases (rs763666786, gnomAD 0.0009%). This variant has not been reported in the literature in individuals affected with CBL-related conditions. ClinVar contains an entry for this variant (Variation ID: 878963). Advanced modeling of protein sequence and biophysical properties (such as structural, functional, and spatial information, amino acid conservation, physicochemical variation, residue mobility, and thermodynamic stability) performed at Invitae indicates that this missense variant is not expected to disrupt CBL protein function with a negative predictive value of 95%. In summary, the available evidence is currently insufficient to determine the role of this variant in disease. Therefore, it has been classified as a Variant of Uncertain Significance.

Illumina Laboratory Services, Illumina
Classification: Uncertain significance for CBL-related disorder. Last evaluated: 2018-01-12. Review status: criteria provided, single submitter. Criteria: ICSL Variant Classification Criteria 13 December 2019. Collection method: clinical testing. Allele origin: germline.

NM_005188.4(CBL):c.1822C>A (p.Pro608Thr)

Gene: CBL (Cbl proto-oncogene; plus strand). Cytogenetic location: 11q23.3.
Variant type: single nucleotide variant.
Coding change: c.1822C>A on transcript NM_005188.4 (MANE Select); coding-DNA position 1822, C replaced by A.
Protein change: p.Pro608Thr; replaces proline 608 with threonine.
Molecular consequence: missense variant.
Genome position (GRCh38, 1-based): chr11:119,285,447, C>A. VCF-style: chr11-119285447-C-A. GRCh37 (hg19) VCF-style: chr11-119156157-C-A.
Other names: short protein forms P608T.
Identifiers: ClinVar variation 878963 (VCV000878963.9), dbSNP rs763666786, ClinGen allele CA6318612.